The following is an entry in ClinVar:

ClinVar aggregate classification (germline): Uncertain significance. Review status: criteria provided, multiple submitters, no conflicts (2 of 4 stars). 2 submissions from 2 submitters: Uncertain significance (2). Last evaluated 2025-02-06.

Conditions:
Dilated cardiomyopathy 1W (CMD1W). Identifiers: Orphanet 154, MedGen C1969639, MONDO:0012667, OMIM 611407.

Submissions (2):

Labcorp Genetics (formerly Invitae), Labcorp
Classification: Uncertain significance for Dilated cardiomyopathy 1W. Last evaluated: 2025-02-06. Review status: criteria provided, single submitter. Criteria: Invitae Variant Classification Sherloc (09022015). Collection method: clinical testing. Allele origin: germline.
Comment: This sequence change replaces proline, which is neutral and non-polar, with threonine, which is neutral and polar, at codon 777 of the VCL protein (p.Pro777Thr). This variant is not present in population databases (gnomAD no frequency). This variant has not been reported in the literature in individuals affected with VCL-related conditions. An algorithm developed to predict the effect of missense changes on protein structure and function (PolyPhen-2) suggests that this variant is likely to be disruptive. In summary, the available evidence is currently insufficient to determine the role of this variant in disease. Therefore, it has been classified as a Variant of Uncertain Significance.

Blueprint Genetics
Classification: Uncertain significance. Last evaluated: 2022-11-11. Review status: criteria provided, single submitter. Criteria: ACMG Guidelines, 2015. Collection method: clinical testing. Allele origin: germline.

NM_014000.3(VCL):c.2329C>A (p.Pro777Thr)

Gene: VCL (vinculin; plus strand). Cytogenetic location: 10q22.2.
Variant type: single nucleotide variant.
Coding change: c.2329C>A on transcript NM_014000.3 (MANE Select); coding-DNA position 2329, C replaced by A.
Protein change: p.Pro777Thr; replaces proline 777 with threonine.
Molecular consequence: missense variant.
Genome position (GRCh38, 1-based): chr10:74,105,248, C>A. VCF-style: chr10-74105248-C-A. GRCh37 (hg19) VCF-style: chr10-75865006-C-A.
Other names: c.2329C>A, p.Pro777Thr (NM_003373.4); short protein forms P777T.
Identifiers: ClinVar variation 4805887 (VCV004805887.2).